The following is an entry in ClinVar:

ClinVar aggregate classification (germline): Likely benign. Review status: criteria provided, single submitter (1 of 4 stars). 3 submissions from 3 submitters: Likely benign (1). 2 of the submissions do not count toward it. Last evaluated 2025-12-14.

Conditions:
Hermansky-Pudlak syndrome (HPS). Also called: ALBINISM WITH HEMORRHAGIC DIATHESIS AND PIGMENTED RETICULOENDOTHELIAL CELLS. Identifiers: Orphanet 79430, MedGen C0079504, MONDO:0019312.
HPS1-related disorder. Also called: HPS1-related condition.

Allele frequency attached by ClinVar (database versions not stated): gnomAD exomes 0.00004; TOPMed 0.00004; gnomAD 0.00003; ExAC 0.00004.
gnomAD v4.1: 34 of 1,614,062 alleles (0.0021%); highest among the groups gnomAD compares: Middle Eastern, 0.049%; no homozygotes.

Submissions (5):

Labcorp Genetics (formerly Invitae), Labcorp
Classification: Likely benign. Last evaluated: 2025-12-14. Review status: criteria provided, single submitter. Criteria: Invitae Variant Classification Sherloc (09022015). Collection method: clinical testing. Allele origin: germline.

PreventionGenetics, part of Exact Sciences
Classification: Uncertain significance for HPS1-related condition. Last evaluated: 2023-11-18. Review status: no assertion criteria provided. Collection method: clinical testing. Allele origin: germline. Not counted in ClinVar's aggregate classification.
Comment: The HPS1 c.806C>T variant is predicted to result in the amino acid substitution p.Ala269Val. To our knowledge, this variant has not been reported in the literature. This variant is reported in 0.0085% of alleles in individuals of Latino descent in gnomAD. At this time, the clinical significance of this variant is uncertain due to the absence of conclusive functional and genetic evidence.

Natera, Inc.
Classification: Uncertain significance for Hermansky-Pudlak syndrome. Last evaluated: 2020-04-10. Review status: no assertion criteria provided. Collection method: clinical testing. Allele origin: germline. Not counted in ClinVar's aggregate classification.

Dr. Peter K. Rogan Lab, Western University
No classification provided (evidence only). Condition: Gastric cancer. Review status: no classification provided. Collection method: in vitro. Allele origin: not applicable. Functional consequence: retained intron. Not counted in ClinVar's aggregate classification.

Dr. Peter K. Rogan Lab, Western University
No classification provided (evidence only). Condition: Uterine carcinosarcoma. Review status: no classification provided. Collection method: in vitro. Allele origin: not applicable. Functional consequence: retained intron. Not counted in ClinVar's aggregate classification.

NM_000195.5(HPS1):c.924C>T (p.Gly308=)

Gene: HPS1 (HPS1 biogenesis of lysosomal organelles complex 3 subunit 1; minus strand). Cytogenetic location: 10q24.2.
Variant type: single nucleotide variant.
Coding change: c.924C>T on transcript NM_000195.5 (MANE Select); coding-DNA position 924, C replaced by T.
Protein change: p.Gly308=; no amino-acid change (glycine 308 retained).
Molecular consequence: synonymous variant. On other transcripts: 5 prime UTR variant (3), missense variant (2).
Genome position (GRCh38, 1-based): chr10:98,429,586, G>A on the plus strand (C>T on the coding strand, the complement: HPS1 is on the minus strand). VCF-style: chr10-98429586-G-A. GRCh37 (hg19) VCF-style: chr10-100189343-G-A.
Other names: NC_000010.10:g.100189343G>A; c.-49C>T (NM_001311345.2, NM_001322487.2, NM_001322489.2); c.924C>T, p.Gly308= (NM_001322476.2, NM_001322477.2, NM_182639.4); c.825C>T, p.Gly275= (NM_001322478.2, NM_001322479.2, NM_001322491.2); c.663C>T, p.Gly221= (NM_001322480.2, NM_001322481.2); c.564C>T, p.Gly188= (NM_001322482.2); c.555C>T, p.Gly185= (NM_001322483.2, NM_001322484.2); c.456C>T, p.Gly152= (NM_001322485.2); and 3 more; short protein forms A236V, A269V.
Identifiers: ClinVar variation 990842 (VCV000990842.5), dbSNP rs747955942, ClinGen allele CA5639221.